The following is an entry in ClinVar:

ClinVar aggregate classification (germline): Uncertain significance (1 of 4 stars; one submission).

Submission:

Ambry Genetics
Classification: Uncertain significance. Last evaluated: 2025-09-27. Review status: criteria provided, single submitter. Criteria: Ambry Variant Classification Scheme 2023. Collection method: clinical testing. Allele origin: germline.
Comment: The p.Q2012L variant (also known as c.6035A>T), located in coding exon 24 of the WNK2 gene, results from an A to T substitution at nucleotide position 6035. The glutamine at codon 2012 is replaced by leucine, an amino acid with dissimilar properties. This amino acid position is conserved. In addition, the in silico prediction for this alteration is inconclusive. Based on the available evidence, the clinical significance of this variant remains unclear.

NM_006648.4(WNK2):c.6035A>T (p.Gln2012Leu)

Gene: WNK2 (WNK lysine deficient protein kinase 2; plus strand). Cytogenetic location: 9q22.31.
Variant type: single nucleotide variant.
Coding change: c.6035A>T on transcript NM_006648.4 (MANE Select); coding-DNA position 6035, A replaced by T.
Protein change: p.Gln2012Leu; replaces glutamine 2012 with leucine.
Molecular consequence: missense variant.
Genome position (GRCh38, 1-based): chr9:93,299,181, A>T. VCF-style: chr9-93299181-A-T. GRCh37 (hg19) VCF-style: chr9-96061463-A-T.
Other names: c.6146A>T, p.Gln2049Leu (NM_001282394.3); short protein forms Q2049L, Q2012L.
Identifiers: ClinVar variation 4605199 (VCV004605199.1).
Genomic context (GRCh38, chr9:93,299,181, plus strand): 5'-CCAGTGTGGGGCTCACTGCAGACAGCACGGGCCTGAGCGGGAAGGCAGTGCAGACCCAGC[A>T]GCCCTGCTCCGTCCGGGCCTCCCTGTCTTCGGACATCTGCTCCGGCTTAGCCAGTGATGG-3'
Protein context (NP_006639.3, residues 2002-2022): GLSGKAVQTQ[Gln2012Leu]PCSVRASLSS